The following is an entry in ClinVar:

ClinVar aggregate classification (germline): Uncertain significance (1 of 4 stars; one submission).

Conditions:
Charcot-Marie-Tooth disease type 2. Also called: Charcot-Marie-Tooth type 2. Identifiers: Orphanet 64746, MedGen C0270914, MONDO:0018993.

Submission:

Labcorp Genetics (formerly Invitae), Labcorp
Classification: Uncertain significance for Charcot-Marie-Tooth disease type 2. Last evaluated: 2019-06-07. Review status: criteria provided, single submitter. Criteria: Invitae Variant Classification Sherloc (09022015). Collection method: clinical testing. Allele origin: germline.
Comment: In summary, the available evidence is currently insufficient to determine the role of this variant in disease. Therefore, it has been classified as a Variant of Uncertain Significance. Experimental studies and prediction algorithms are not available or were not evaluated for this variant, and the functional significance of the affected amino acid(s) is currently unknown. This variant has not been reported in the literature in individuals with MED25-related conditions. This variant is not present in population databases (ExAC no frequency). This variant, c.1818_1823dup, results in the insertion of 2 amino acid(s) to the MED25 protein (p.Pro607_Gln608dup), but otherwise preserves the integrity of the reading frame.

NM_030973.4(MED25):c.1812GCCCCA[3] (p.605PQ[3])

Gene: MED25 (mediator complex subunit 25; plus strand). Cytogenetic location: 19q13.33.
Variant type: Microsatellite.
Coding change: c.1812GCCCCA[3] on transcript NM_030973.4 (MANE Select); three copies in a row of the 6-base unit GCCCCA starting at c.1812; the reference has two copies in a row; one copy, 6 bases duplicated.
Protein change: p.605PQ[3].
Molecular consequence: inframe insertion.
Genome position (GRCh38, 1-based): chr19:49,835,798-49,835,803, GCCCCA duplicated; duplicating any 6 consecutive bases within chr19:49,835,790-49,835,803 gives the same sequence; the position shown is the placement nearest the transcript's 3' end. VCF-style (leftmost placement, unchanged base first): chr19-49835789-G-GCAGCCC. GRCh37 (hg19) VCF-style: chr19-50339046-G-GCAGCCC.
Other names: c.1812GCCCCA[3], p.605PQ[3] (NM_001378355.1).
Identifiers: ClinVar variation 947377 (VCV000947377.9), dbSNP rs2074092563, ClinGen allele CA2340607947.